The following is an entry in ClinVar:

NM_002627.5(PFKP):c.771G>A (p.Ser257=)

Gene: PFKP (phosphofructokinase, platelet; plus strand). Cytogenetic location: 10p15.2.
Variant type: single nucleotide variant.
Coding change: c.771G>A on transcript NM_002627.5 (MANE Select); coding-DNA position 771, G replaced by A.
Protein change: p.Ser257=; no amino-acid change (serine 257 retained).
Molecular consequence: synonymous variant.
Genome position (GRCh38, 1-based): chr10:3,105,498, G>A. VCF-style: chr10-3105498-G-A. GRCh37 (hg19) VCF-style: chr10-3147690-G-A.
Other names: c.747G>A, p.Ser249= (NM_001242339.2); c.690G>A, p.Ser230= (NM_001323067.2); c.771G>A, p.Ser257= (NM_001323068.2, NM_001410880.1); c.264G>A, p.Ser88= (NM_001323069.2); c.123G>A, p.Ser41= (NM_001323070.1, NM_001323073.1, NM_001323074.1); c.657G>A, p.Ser219= (NM_001323071.2, NM_001323072.2, NM_001345944.1).
Identifiers: ClinVar variation 3036624 (VCV003036624.2), dbSNP rs144604806, ClinGen allele CA5385752.

ClinVar aggregate classification (germline): Likely benign (0 of 4 stars; one submission).

Conditions:
PFKP-related disorder. Also called: PFKP-related condition.

Allele frequency attached by ClinVar (database versions not stated): ExAC 0.00027; 1000 Genomes Project 30x 0.00062; gnomAD 0.00064; 1000 Genomes Project 0.00080; ESP Exome Variant Server 0.00115.
gnomAD v4.1: 218 of 1,607,070 alleles (0.014%); highest among the groups gnomAD compares: African/African-American, 0.22%; no homozygotes.

Submission:

PreventionGenetics, part of Exact Sciences
Classification: Likely benign for PFKP-related condition. Last evaluated: 2023-04-25. Review status: no assertion criteria provided. Collection method: clinical testing. Allele origin: germline.
Comment: This variant is classified as likely benign based on ACMG/AMP sequence variant interpretation guidelines (Richards et al. 2015 PMID: 25741868, with internal and published modifications).